The following is an entry in ClinVar:

ClinVar aggregate classification (germline): Uncertain significance (1 of 4 stars; one submission).

Conditions:
Autosomal dominant hypocalcemia 1 (HYPOC1). Also called: HYPOCALCEMIA, FAMILIAL. Identifiers: MedGen C3715128, MONDO:0011013, OMIM 601198.
Familial hypocalciuric hypercalcemia (FHH). Also called: Familial benign hypercalcemia. Identifiers: Orphanet 405, MedGen C1809471, MONDO:0018458.

Allele frequency attached by ClinVar (database versions not stated): TOPMed below 0.00001.

Submission:

Labcorp Genetics (formerly Invitae), Labcorp
Classification: Uncertain significance for Familial hypocalciuric hypercalcemia; Autosomal dominant hypocalcemia 1. Last evaluated: 2024-07-17. Review status: criteria provided, single submitter. Criteria: Invitae Variant Classification Sherloc (09022015). Collection method: clinical testing. Allele origin: germline.
Comment: This sequence change replaces isoleucine, which is neutral and non-polar, with valine, which is neutral and non-polar, at codon 32 of the CASR protein (p.Ile32Val). This variant is not present in population databases (gnomAD no frequency). This missense change has been observed in individual(s) with clinical features of CASR-related conditions (PMID: 22232026, 24947037, 25091521). ClinVar contains an entry for this variant (Variation ID: 1493852). An algorithm developed to predict the effect of missense changes on protein structure and function (PolyPhen-2) suggests that this variant is likely to be tolerated. Experimental studies have shown that this missense change affects CASR function (PMID: 25091521). In summary, the available evidence is currently insufficient to determine the role of this variant in disease. Therefore, it has been classified as a Variant of Uncertain Significance.

Literature cited by the submitters: PubMed 22232026; PubMed 24947037; PubMed 25091521.

NM_000388.4(CASR):c.94A>G (p.Ile32Val)

Gene: CASR (calcium sensing receptor; plus strand). Cytogenetic location: 3q21.1.
Variant type: single nucleotide variant.
Coding change: c.94A>G on transcript NM_000388.4 (MANE Select); coding-DNA position 94, A replaced by G.
Protein change: p.Ile32Val; replaces isoleucine 32 with valine.
Molecular consequence: missense variant.
Genome position (GRCh38, 1-based): chr3:122,254,283, A>G. VCF-style: chr3-122254283-A-G. GRCh37 (hg19) VCF-style: chr3-121973130-A-G.
Other names: c.94A>G, p.Ile32Val (NM_001178065.2); short protein forms I32V.
Identifiers: ClinVar variation 1493852 (VCV001493852.6), dbSNP rs2074529687, ClinGen allele CA354362119.